The following is an entry in ClinVar:

ClinVar aggregate classification (germline): Uncertain significance (1 of 4 stars; one submission).

Allele frequency attached by ClinVar (database versions not stated): TOPMed below 0.00001.

Submission:

Labcorp Genetics (formerly Invitae), Labcorp
Classification: Uncertain significance. Last evaluated: 2022-02-12. Review status: criteria provided, single submitter. Criteria: Invitae Variant Classification Sherloc (09022015). Collection method: clinical testing. Allele origin: germline.
Comment: In summary, the available evidence is currently insufficient to determine the role of this variant in disease. Therefore, it has been classified as a Variant of Uncertain Significance. This sequence change replaces glutamic acid, which is acidic and polar, with alanine, which is neutral and non-polar, at codon 774 of the FLNB protein (p.Glu774Ala). This variant is not present in population databases (gnomAD no frequency). This variant has not been reported in the literature in individuals affected with FLNB-related conditions. Algorithms developed to predict the effect of missense changes on protein structure and function (SIFT, PolyPhen-2, Align-GVGD) all suggest that this variant is likely to be disruptive.

NM_001457.4(FLNB):c.2321A>C (p.Glu774Ala)

Gene: FLNB (filamin B; plus strand). Cytogenetic location: 3p14.3.
Variant type: single nucleotide variant.
Coding change: c.2321A>C on transcript NM_001457.4 (MANE Select); coding-DNA position 2321, A replaced by C.
Protein change: p.Glu774Ala; replaces glutamic acid 774 with alanine.
Molecular consequence: missense variant.
Genome position (GRCh38, 1-based): chr3:58,109,697, A>C. VCF-style: chr3-58109697-A-C. GRCh37 (hg19) VCF-style: chr3-58095424-A-C.
Other names: c.2321A>C, p.Glu774Ala (NM_001164317.2, NM_001164318.2, NM_001164319.2); short protein forms E774A.
Identifiers: ClinVar variation 1945451 (VCV001945451.5), dbSNP rs2097265228, ClinGen allele CA353343778.